The following is an entry in ClinVar:

NM_000277.3(PAH):c.441+5G>A

Gene: PAH (phenylalanine hydroxylase; minus strand). Cytogenetic location: 12q23.2.
Variant type: single nucleotide variant.
Coding change: c.441+5G>A on transcript NM_000277.3 (MANE Select); 5 bases into the intron after coding-DNA position 441, G replaced by A.
Molecular consequence: intron variant.
Genome position (GRCh38, 1-based): chr12:102,877,457, C>T on the plus strand (G>A on the coding strand, the complement: PAH is on the minus strand). VCF-style: chr12-102877457-C-T. GRCh37 (hg19) VCF-style: chr12-103271235-C-T.
Other names: NM_001354304.2:c.441+5G>A; c.441+5G>A (NM_001354304.2).
Identifiers: ClinVar variation 987910 (VCV000987910.3), dbSNP rs62507321, ClinGen allele CA16020788.

ClinVar aggregate classification (germline): Pathogenic. Review status: reviewed by expert panel (3 of 4 stars). 2 submissions from 2 submitters: Pathogenic (1). 1 of the submissions does not count toward it. Last evaluated 2024-11-17.

Conditions:
Phenylketonuria (PKU). Also called: OLIGOPHRENIA PHENYLPYRUVICA; Phenylketonuria (PKU); Phenylketonurias; FOLLING DISEASE. Identifiers: Orphanet 716, MedGen C0031485, MONDO:0009861, OMIM 261600. Disease mechanism: loss of function.

gnomAD v4.1: 1 of 1,610,430 alleles (0.000062%); highest among the groups gnomAD compares: Non-Finnish European, 0.000085%; no homozygotes.

Submissions (2):

ClinGen PAH Variant Curation Expert Panel
Classification: Pathogenic for Phenylketonuria. Last evaluated: 2024-11-17. Review status: reviewed by expert panel. Criteria: ClinGen PAH ACMG Specifications v1. Collection method: curation. Allele origin: germline. Inheritance: Autosomal recessive inheritance.
Comment: The NM_000277.3: c.441+5G>A variant in PAH is an intronic variant that is predicted by SpliceAI to alter splicing (SpliceAI score 0.91, >0.2 cutoff for PP3). c.441+5G>A has a Pop max allele frequency of [8.498e-7] for [ENF] chromosomes by gnomAD v4.1.0, which is lower than the ClinGen PAH threshold (≤ 0.0002) and therefore meets PM2_Supporting. It has been observed in individuals with phenylalanine hydroxylase deficiency in presumed trans (phase confirmed) with other pathogenic variants, including with p.Arg158Gln (ClinVar ID: 587) in one individual (PMID: 18321666) and with p.Val388Met (ClinVar ID 619) in 8 individuals (PMID: 32668217) (PM3_VeryStrong). It has been observed in at least one classic PKU patient with BH4 deficiency excluded (PMID: 18321666; PP4_moderate). In summary, this variant meets criteria to be classified as pathogenic for phenylketonuria in an autosomal recessive manner based on the ACMG/AMP criteria applied as specified by the PAH Expert Panel: PM2_Supporting, PM3_VeryStrong, PP3, PP4_Moderate.

Myriad Genetics, Inc.
Classification: Pathogenic for Phenylketonuria. Last evaluated: 2025-08-27. Review status: criteria provided, single submitter. Criteria: Myriad Autosomal Dominant, Autosomal Recessive and X-Linked Classification Criteria (2023). Collection method: clinical testing. Allele origin: unknown. Not counted in ClinVar's aggregate classification.
Comment: NM_000277.1(PAH):c.441+5G>A is an intronic variant classified as pathogenic in the context of phenylalanine hydroxylase deficiency. c.441+5G>A has been observed in cases with relevant disease (PMID: 32668217, 18321666, 23514811, 29997390). Relevant functional assessments of this variant are not available in the literature. c.441+5G>A has not been observed in referenced population frequency databases. In summary, NM_000277.1(PAH):c.441+5G>A is an intronic variant that has been observed more frequently in cases with the relevant disease than in healthy populations. Please note: this variant was assessed in the context of healthy population screening.

Literature cited by the submitters: PubMed 18321666 (cited by Myriad Genetics, Inc.); PubMed 23514811 (cited by Myriad Genetics, Inc.); PubMed 29997390 (cited by Myriad Genetics, Inc.); PubMed 32668217 (cited by Myriad Genetics, Inc.).